The following is an entry in ClinVar:

NM_006408.4(AGR2):c.247_250del (p.His83fs)

Gene: AGR2 (anterior gradient 2, protein disulphide isomerase family member; minus strand). Cytogenetic location: 7p21.1.
Variant type: Microsatellite.
Coding change: c.247_250del on transcript NM_006408.4 (MANE Select); coding-DNA positions 247 to 250, 4 bases deleted (CACA; older notation c.247_250delCACA).
Protein change: p.His83fs; shifts the reading frame from histidine 83.
Molecular consequence: frameshift variant.
Genome position (GRCh38, 1-based): chr7:16,801,157-16,801,160, TGTG deleted on the plus strand (CACA on the coding strand, the reverse complement: AGR2 is on the minus strand); deleting any 4 consecutive bases within chr7:16,801,157-16,801,162 gives the same sequence; the c. name uses the placement nearest the transcript's 3' end. VCF-style (leftmost placement, unchanged base first): chr7-16801156-CTGTG-C. GRCh37 (hg19) VCF-style: chr7-16840780-CTGTG-C.
Other names: short protein forms H83fs.
Identifiers: ClinVar variation 4852394 (VCV004852394.1).

ClinVar aggregate classification (germline): Pathogenic (1 of 4 stars; one submission).

Conditions:
Respiratory infections, recurrent, and failure to thrive with or without diarrhea (RIFTD). Identifiers: MedGen C5774306, MONDO:0859370, OMIM 620233.

Submission:

Clinical Immunology, Karolinska University Hospital
Classification: Pathogenic for Respiratory infections, recurrent, and failure to thrive with or without diarrhea. Last evaluated: 2026-05-11. Review status: criteria provided, single submitter. Criteria: ACMG Guidelines, 2015. Collection method: clinical testing. Allele origin: germline. Inheritance: Autosomal recessive inheritance. Affected: yes.